The following is an entry in ClinVar:

NM_001943.5(DSG2):c.2714A>C (p.Glu905Ala)

Genes: DSG2 (desmoglein 2; plus strand), DSG2-AS1 (DSG2 antisense RNA 1; minus strand). Cytogenetic location: 18q12.1.
Variant type: single nucleotide variant.
Coding change: c.2714A>C on transcript NM_001943.5 (MANE Select); coding-DNA position 2714, A replaced by C.
Protein change: p.Glu905Ala; replaces glutamic acid 905 with alanine.
Molecular consequence: missense variant.
Genome position (GRCh38, 1-based): chr18:31,546,100, A>C. VCF-style: chr18-31546100-A-C. GRCh37 (hg19) VCF-style: chr18-29126063-A-C.
Other names: c.2714A>C (LRG_397t1); short protein forms E905A.
Identifiers: ClinVar variation 451174 (VCV000451174.4), dbSNP rs1555628237, ClinGen allele CA402146318.

ClinVar aggregate classification (germline): Uncertain significance. Review status: criteria provided, multiple submitters, no conflicts (2 of 4 stars). 2 submissions from 2 submitters: Uncertain significance (2). Last evaluated 2024-02-22.

Conditions:
Arrhythmogenic right ventricular dysplasia 10. Also called: Arrhythmogenic Right Ventricular Dysplasia/Cardiomyopathy10; ARRHYTHMOGENIC RIGHT VENTRICULAR DYSPLASIA, FAMILIAL, 10; Arrhythmogenic right ventricular dysplasia/cardiomyopathy, type 10. Identifiers: MedGen C1857777, MONDO:0012434, OMIM 610193.

Submissions (2):

Labcorp Genetics (formerly Invitae), Labcorp
Classification: Uncertain significance for Arrhythmogenic right ventricular dysplasia 10. Last evaluated: 2024-02-22. Review status: criteria provided, single submitter. Criteria: Invitae Variant Classification Sherloc (09022015). Collection method: clinical testing. Allele origin: germline.
Comment: This sequence change replaces glutamic acid, which is acidic and polar, with alanine, which is neutral and non-polar, at codon 905 of the DSG2 protein (p.Glu905Ala). This variant is not present in population databases (gnomAD no frequency). This variant has not been reported in the literature in individuals affected with DSG2-related conditions. ClinVar contains an entry for this variant (Variation ID: 451174). Advanced modeling of protein sequence and biophysical properties (such as structural, functional, and spatial information, amino acid conservation, physicochemical variation, residue mobility, and thermodynamic stability) performed at Invitae indicates that this missense variant is not expected to disrupt DSG2 protein function with a negative predictive value of 95%. In summary, the available evidence is currently insufficient to determine the role of this variant in disease. Therefore, it has been classified as a Variant of Uncertain Significance.

GeneDx
Classification: Uncertain significance. Last evaluated: 2017-08-07. Review status: criteria provided, single submitter. Criteria: GeneDx Variant Classification (06012015). Collection method: clinical testing. Allele origin: germline. Affected: yes.
Comment: The E905A variant of uncertain significance in the DSG2 gene has not been published as pathogenic or been reported as benign to our knowledge. E905A is not observed in large population cohorts (Lek et al., 2016; 1000 Genomes Consortium et al., 2015; Exome Variant Server). The E905A variant is a non-conservative amino acid substitution, which is likely to impact secondary protein structure as these residues differ in polarity, charge, size and/or other properties. Moreover, this substitution occurs at a position that is conserved across species, and in silico analysis predicts this variant is probably damaging to the protein structure/function. Nevertheless, no pathogenic missense variants in nearby residues have been reported in the Human Gene Mutation Database (Stenson et al., 2014), indicating that this region of the gene is not known to harbor disease-causing variants.